The following is an entry in ClinVar:

NM_021930.6(RINT1):c.1026G>A (p.Met342Ile)

Gene: RINT1 (RAD50 interactor 1; plus strand). Cytogenetic location: 7q22.3.
Variant type: single nucleotide variant.
Coding change: c.1026G>A on transcript NM_021930.6 (MANE Select); coding-DNA position 1026, G replaced by A.
Protein change: p.Met342Ile; replaces methionine 342 with isoleucine.
Molecular consequence: missense variant. On other transcripts: initiator codon variant (2), non-coding transcript variant (1).
Genome position (GRCh38, 1-based): chr7:105,550,084, G>A. VCF-style: chr7-105550084-G-A. GRCh37 (hg19) VCF-style: chr7-105190531-G-A.
Other names: c.792G>A, p.Met264Ile (NM_001346599.2); c.3G>A, p.Met1Ile (NM_001346600.2, NM_001346603.2); c.102G>A, p.Met34Ile (NM_001346601.2); short protein forms M264I, M1I, M342I, M34I.
Identifiers: ClinVar variation 1769646 (VCV001769646.4), dbSNP rs2485131886, ClinGen allele CA368808274.

ClinVar aggregate classification (germline): Uncertain significance. Review status: criteria provided, multiple submitters, no conflicts (2 of 4 stars). 2 submissions from 2 submitters: Uncertain significance (2). Last evaluated 2025-11-05.

Submissions (2):

Labcorp Genetics (formerly Invitae), Labcorp
Classification: Uncertain significance. Last evaluated: 2025-11-05. Review status: criteria provided, single submitter. Criteria: Invitae Variant Classification Sherloc (09022015). Collection method: clinical testing. Allele origin: germline.
Comment: This sequence change replaces methionine, which is neutral and non-polar, with isoleucine, which is neutral and non-polar, at codon 342 of the RINT1 protein (p.Met342Ile). This variant is not present in population databases (gnomAD no frequency). This variant has not been reported in the literature in individuals affected with RINT1-related conditions. ClinVar contains an entry for this variant (Variation ID: 1769646). An algorithm developed to predict the effect of missense changes on protein structure and function outputs the following: PolyPhen-2: "Benign". The isoleucine amino acid residue is found in multiple mammalian species, which suggests that this missense change does not adversely affect protein function. In summary, the available evidence is currently insufficient to determine the role of this variant in disease. Therefore, it has been classified as a Variant of Uncertain Significance.

Ambry Genetics
Classification: Uncertain significance. Last evaluated: 2022-08-30. Review status: criteria provided, single submitter. Criteria: Ambry Variant Classification Scheme 2023. Collection method: clinical testing. Allele origin: germline.
Comment: The p.M342I variant (also known as c.1026G>A), located in coding exon 8 of the RINT1 gene, results from a G to A substitution at nucleotide position 1026. The methionine at codon 342 is replaced by isoleucine, an amino acid with highly similar properties. This amino acid position is conserved. In addition, this alteration is predicted to be tolerated by in silico analysis. Since supporting evidence is limited at this time, the clinical significance of this alteration remains unclear.